The following is an entry in ClinVar:

ClinVar aggregate classification (germline): Uncertain significance (1 of 4 stars; one submission).

Submission:

Labcorp Genetics (formerly Invitae), Labcorp
Classification: Uncertain significance. Last evaluated: 2024-08-23. Review status: criteria provided, single submitter. Criteria: Invitae Variant Classification Sherloc (09022015). Collection method: clinical testing. Allele origin: germline.
Comment: This sequence change replaces valine, which is neutral and non-polar, with leucine, which is neutral and non-polar, at codon 230 of the SLC25A32 protein (p.Val230Leu). This variant is not present in population databases (gnomAD no frequency). This variant has not been reported in the literature in individuals affected with SLC25A32-related conditions. Invitae Evidence Modeling of protein sequence and biophysical properties (such as structural, functional, and spatial information, amino acid conservation, physicochemical variation, residue mobility, and thermodynamic stability) indicates that this missense variant is not expected to disrupt SLC25A32 protein function with a negative predictive value of 80%. Algorithms developed to predict the effect of sequence changes on RNA splicing suggest that this variant may disrupt the consensus splice site. In summary, the available evidence is currently insufficient to determine the role of this variant in disease. Therefore, it has been classified as a Variant of Uncertain Significance.

NM_030780.5(SLC25A32):c.688G>C (p.Val230Leu)

Gene: SLC25A32 (solute carrier family 25 member 32; minus strand). Cytogenetic location: 8q22.3.
Variant type: single nucleotide variant.
Coding change: c.688G>C on transcript NM_030780.5 (MANE Select); coding-DNA position 688, G replaced by C.
Protein change: p.Val230Leu; replaces valine 230 with leucine.
Molecular consequence: missense variant. On other transcripts: non-coding transcript variant (2).
Genome position (GRCh38, 1-based): chr8:103,401,640, C>G on the plus strand (G>C on the coding strand, the complement: SLC25A32 is on the minus strand). VCF-style: chr8-103401640-C-G. GRCh37 (hg19) VCF-style: chr8-104413868-C-G.
Other names: short protein forms V230L.
Identifiers: ClinVar variation 3619381 (VCV003619381.2).
Genomic context (GRCh38, chr8:103,401,640, plus strand): 5'-CTCTTACGACTTGATATGGGTATGTTGCTGCGACAGCAAATATTTTGGATAGTGCTGCAA[C>G]AGATATATATTCTACTGTGCTCTAAAATGGCAATACAAAACAGTTTTTTCTTTAGACAGG-3'
Protein context (NP_110407.2, residues 220-240): AQLSTVEYIS[Val230Leu]AALSKIFAVA